The following is an entry in ClinVar:

ClinVar aggregate classification (germline): Uncertain significance (1 of 4 stars; one submission).

Conditions:
EGFR-related lung cancer (EGFR). Identifiers: MedGen CN130014.

Submission:

Labcorp Genetics (formerly Invitae), Labcorp
Classification: Uncertain significance for EGFR-related lung cancer. Last evaluated: 2020-03-01. Review status: criteria provided, single submitter. Criteria: Invitae Variant Classification Sherloc (09022015). Collection method: clinical testing. Allele origin: germline.
Comment: In summary, the available evidence is currently insufficient to determine the role of this variant in disease. Therefore, it has been classified as a Variant of Uncertain Significance. Algorithms developed to predict the effect of missense changes on protein structure and function are either unavailable or do not agree on the potential impact of this missense change (SIFT: "Tolerated"; PolyPhen-2: "Probably Damaging"; Align-GVGD: "Class C0"). This variant has not been reported in the literature in individuals with EGFR-related conditions. This variant is not present in population databases (ExAC no frequency). This sequence change replaces leucine with phenylalanine at codon 509 of the EGFR protein (p.Leu509Phe). The leucine residue is moderately conserved and there is a small physicochemical difference between leucine and phenylalanine.

NM_005228.5(EGFR):c.1527G>C (p.Leu509Phe)

Gene: EGFR (epidermal growth factor receptor; plus strand). Cytogenetic location: 7p11.2.
Variant type: single nucleotide variant.
Coding change: c.1527G>C on transcript NM_005228.5 (MANE Select); coding-DNA position 1527, G replaced by C.
Protein change: p.Leu509Phe; replaces leucine 509 with phenylalanine.
Molecular consequence: missense variant.
Genome position (GRCh38, 1-based): chr7:55,161,527, G>C. VCF-style: chr7-55161527-G-C. GRCh37 (hg19) VCF-style: chr7-55229220-G-C.
Other names: c.1392G>C, p.Leu464Phe (NM_001346897.2, NM_001346899.2); c.1527G>C, p.Leu509Phe (NM_001346898.2, NM_201282.2, NM_201284.2); c.1368G>C, p.Leu456Phe (NM_001346900.2); c.726G>C, p.Leu242Phe (NM_001346941.2); short protein forms L464F, L509F, L456F, L242F.
Identifiers: ClinVar variation 1037049 (VCV001037049.8), dbSNP rs1785702432, ClinGen allele CA367579823.